The following is an entry in ClinVar:

ClinVar aggregate classification (germline): Conflicting classifications of pathogenicity. Review status: criteria provided, conflicting classifications (1 of 4 stars). 3 submissions from 3 submitters: Uncertain significance (2); Likely benign (1). Last evaluated 2025-11-17.

Conditions:
Cardiovascular phenotype. Identifiers: MedGen CN230736.

Allele frequency attached by ClinVar (database versions not stated): gnomAD 0.00001; gnomAD exomes 0.00002; TOPMed 0.00002; ExAC 0.00005; ESP Exome Variant Server 0.00008.
gnomAD v4.1: 30 of 1,614,060 alleles (0.0019%); highest among the groups gnomAD compares: Admixed American, 0.0083%; no homozygotes.

Submissions (3):

Labcorp Genetics (formerly Invitae), Labcorp
Classification: Likely benign. Last evaluated: 2025-11-17. Review status: criteria provided, single submitter. Criteria: Invitae Variant Classification Sherloc (09022015). Collection method: clinical testing. Allele origin: germline.

Ambry Genetics
Classification: Uncertain significance for Cardiovascular phenotype. Last evaluated: 2025-04-14. Review status: criteria provided, single submitter. Criteria: Ambry Variant Classification Scheme 2023. Collection method: clinical testing. Allele origin: germline.
Comment: The p.I560T variant (also known as c.1679T>C), located in coding exon 12 of the ABCA1 gene, results from a T to C substitution at nucleotide position 1679. The isoleucine at codon 560 is replaced by threonine, an amino acid with similar properties. This amino acid position is highly conserved in available vertebrate species. In addition, this alteration is predicted to be deleterious by in silico analysis. Based on the available evidence, the clinical significance of this variant remains unclear.

Women's Health and Genetics/Laboratory Corporation of America, LabCorp
Classification: Uncertain significance. Last evaluated: 2024-08-12. Review status: criteria provided, single submitter. Criteria: LabCorp Variant Classification Summary - May 2015. Collection method: clinical testing. Allele origin: germline.
Comment: Variant summary: ABCA1 c.1679T>C (p.Ile560Thr) results in a non-conservative amino acid change in the encoded protein sequence. Five of five in-silico tools predict a damaging effect of the variant on protein function. The variant allele was found at a frequency of 2.8e-05 in 251390 control chromosomes. The available data on variant occurrences in the general population are insufficient to allow any conclusion about variant significance. To our knowledge, no occurrence of c.1679T>C in individuals affected with Tangier Disease and no experimental evidence demonstrating its impact on protein function have been reported. ClinVar contains an entry for this variant (Variation ID: 2080684). Based on the evidence outlined above, the variant was classified as uncertain significance.

NM_005502.4(ABCA1):c.1679T>C (p.Ile560Thr)

Gene: ABCA1 (ATP binding cassette subfamily A member 1; minus strand). Cytogenetic location: 9q31.1.
Variant type: single nucleotide variant.
Coding change: c.1679T>C on transcript NM_005502.4 (MANE Select); coding-DNA position 1679, T replaced by C.
Protein change: p.Ile560Thr; replaces isoleucine 560 with threonine.
Molecular consequence: missense variant.
Genome position (GRCh38, 1-based): chr9:104,831,658, A>G on the plus strand (T>C on the coding strand, the complement: ABCA1 is on the minus strand). VCF-style: chr9-104831658-A-G. GRCh37 (hg19) VCF-style: chr9-107593939-A-G.
Other names: c.1679T>C (NM_005502.3); short protein forms I560T.
Identifiers: ClinVar variation 2080684 (VCV002080684.7), dbSNP rs151167856, ClinGen allele CA5168956.